The following is an entry in ClinVar:

ClinVar aggregate classification (germline): Conflicting classifications of pathogenicity. Review status: criteria provided, conflicting classifications (1 of 4 stars). 3 submissions from 3 submitters: Uncertain significance (2); Likely benign (1). Last evaluated 2025-05-13.

Conditions:
Hereditary breast ovarian cancer syndrome. Also called: Hereditary breast and ovarian cancer syndrome (HBOC); Hereditary breast and ovarian cancer syndrome; Breast and ovarian cancer; Hereditary breast and/or ovarian cancer syndrome; Hereditary breast and ovarian cancer; BRCA1- and BRCA2-Associated Hereditary Breast and Ovarian Cancer. Identifiers: Orphanet 145, MedGen C0677776, MeSH D061325, MONDO:0003582. Disease mechanism: loss of function.
Hereditary cancer-predisposing syndrome. Also called: Neoplastic Syndromes, Hereditary; Hereditary Cancer Syndrome; Hereditary neoplastic syndrome; Tumor predisposition. Identifiers: Orphanet 140162, MedGen C0027672, MeSH D009386, MONDO:0015356.

Submissions (3):

Ambry Genetics
Classification: Likely benign for Hereditary cancer-predisposing syndrome. Last evaluated: 2025-05-13. Review status: criteria provided, single submitter. Criteria: Ambry Variant Classification Scheme 2023. Collection method: clinical testing. Allele origin: germline.

Color Diagnostics, LLC DBA Color Health
Classification: Uncertain significance for Hereditary cancer-predisposing syndrome. Last evaluated: 2024-01-08. Review status: criteria provided, single submitter. Criteria: ACMG Guidelines, 2015. Collection method: clinical testing. Allele origin: germline.
Comment: This missense variant replaces lysine with glutamine at codon 3032 of the BRCA2 protein. Computational prediction suggests that this variant may not impact protein structure and function. To our knowledge, functional studies have not been reported for this variant. This variant has not been reported in individuals affected with BRCA2-related disorders in the literature. This variant has not been identified in the general population by the Genome Aggregation Database (gnomAD). The available evidence is insufficient to determine the role of this variant in disease conclusively. Therefore, this variant is classified as a Variant of Uncertain Significance.

Labcorp Genetics (formerly Invitae), Labcorp
Classification: Uncertain significance for Hereditary breast ovarian cancer syndrome. Last evaluated: 2022-12-24. Review status: criteria provided, single submitter. Criteria: Invitae Variant Classification Sherloc (09022015). Collection method: clinical testing. Allele origin: germline.
Comment: This variant is not present in population databases (gnomAD no frequency). This sequence change replaces lysine, which is basic and polar, with glutamine, which is neutral and polar, at codon 3032 of the BRCA2 protein (p.Lys3032Gln). This variant has not been reported in the literature in individuals affected with BRCA2-related conditions. In summary, the available evidence is currently insufficient to determine the role of this variant in disease. Therefore, it has been classified as a Variant of Uncertain Significance. Advanced modeling of protein sequence and biophysical properties (such as structural, functional, and spatial information, amino acid conservation, physicochemical variation, residue mobility, and thermodynamic stability) performed at Invitae indicates that this missense variant is not expected to disrupt BRCA2 protein function. ClinVar contains an entry for this variant (Variation ID: 462513).

Literature cited by the submitters: PubMed 39779848 (cited by Ambry Genetics); PubMed 39779857 (cited by Ambry Genetics).

NM_000059.4(BRCA2):c.9094A>C (p.Lys3032Gln)

Gene: BRCA2 (BRCA2 DNA repair associated; plus strand). Cytogenetic location: 13q13.1.
Variant type: single nucleotide variant.
Coding change: c.9094A>C on transcript NM_000059.4 (MANE Select); coding-DNA position 9094, A replaced by C.
Protein change: p.Lys3032Gln; replaces lysine 3032 with glutamine.
Molecular consequence: missense variant.
Genome position (GRCh38, 1-based): chr13:32,379,890, A>C. VCF-style: chr13-32379890-A-C. GRCh37 (hg19) VCF-style: chr13-32954027-A-C.
Other names: short protein forms K3032Q.
Identifiers: ClinVar variation 462513 (VCV000462513.18), dbSNP rs1555288501, ClinGen allele CA387757660.